The following is an entry in ClinVar:

ClinVar aggregate classification (germline): Uncertain significance. Review status: criteria provided, multiple submitters, no conflicts (2 of 4 stars). 2 submissions from 2 submitters: Uncertain significance (2). Last evaluated 2025-08-23.

Conditions:
HTR2C-related disorder. Also called: HTR2C-related condition.

gnomAD v4.1: 6 of 1,208,807 alleles (0.0005%); highest among the groups gnomAD compares: Admixed American, 0.0088%; no homozygotes.

Submissions (2):

Ambry Genetics
Classification: Uncertain significance. Last evaluated: 2025-08-23. Review status: criteria provided, single submitter. Criteria: Ambry Variant Classification Scheme 2023. Collection method: clinical testing. Allele origin: germline.

PreventionGenetics, part of Exact Sciences
Classification: Uncertain significance for HTR2C-related condition. Last evaluated: 2024-12-13. Review status: criteria provided, single submitter. Criteria: ACMG Guidelines, 2015. Collection method: clinical testing. Allele origin: germline.
Comment: The HTR2C c.650T>C variant is predicted to result in the amino acid substitution p.Ile217Thr. To our knowledge, this variant has not been reported in the literature. This variant is reported in 0.015% of alleles in individuals of Latino descent in gnomAD. At this time, the clinical significance of this variant is uncertain due to the absence of conclusive functional and genetic evidence.

NM_000868.4(HTR2C):c.650T>C (p.Ile217Thr)

Genes: HTR2C (5-hydroxytryptamine receptor 2C; plus strand), LOC126863306 (MED14-independent group 3 enhancer GRCh37_chrX:114140926-114142125; plus strand). Cytogenetic location: Xq23.
Variant type: single nucleotide variant.
Coding change: c.650T>C on transcript NM_000868.4 (MANE Select); coding-DNA position 650, T replaced by C.
Protein change: p.Ile217Thr; replaces isoleucine 217 with threonine.
Molecular consequence: missense variant. On other transcripts: synonymous variant (1).
Genome position (GRCh38, 1-based): chrX:114,906,688, T>C. VCF-style: chrX-114906688-T-C. GRCh37 (hg19) VCF-style: chrX-114141251-T-C.
Other names: c.650T>C (NM_000868.3); c.555T>C, p.Tyr185= (NM_001256761.3); c.650T>C, p.Ile217Thr (NM_001256760.3); short protein forms I217T.
Identifiers: ClinVar variation 4272855 (VCV004272855.2).